The following is an entry in ClinVar:

NM_001349206.2(LPIN1):c.933G>A (p.Trp311Ter)

Genes: LPIN1 (lipin 1; plus strand), LOC126806147 (CDK7 strongly-dependent group 2 enhancer GRCh37_chr2:11919054-11920253; plus strand). Cytogenetic location: 2p25.1.
Variant type: single nucleotide variant.
Coding change: c.933G>A on transcript NM_001349206.2 (MANE Select); coding-DNA position 933, G replaced by A.
Protein change: p.Trp311Ter; replaces tryptophan 311 with a stop codon.
Molecular consequence: nonsense. On other transcripts: non-coding transcript variant (1).
Genome position (GRCh38, 1-based): chr2:11,779,621, G>A. VCF-style: chr2-11779621-G-A. GRCh37 (hg19) VCF-style: chr2-11919747-G-A.
Other names: c.843G>A, p.Trp281Ter (NM_001261427.3); c.1080G>A, p.Trp360Ter (NM_001261428.3); c.825G>A, p.Trp275Ter (NM_001349199.2, NM_001349200.2, NM_001349201.2 and 1 more transcripts); c.930G>A, p.Trp310Ter (NM_001349202.2, NM_001349203.2); c.933G>A, p.Trp311Ter (NM_001349204.2, NM_001349205.2); c.1023G>A, p.Trp341Ter (NM_001349207.2); c.972G>A, p.Trp324Ter (NM_001349208.2); short protein forms W281*, W311*, W324*, W275*, W310*, W341*, W360*.
Identifiers: ClinVar variation 2166399 (VCV002166399.5), dbSNP rs1476347603, ClinGen allele CA345855466.
Genomic context (GRCh38, chr2:11,779,621, plus strand): 5'-ATTGGTCAGCAAGTCCACGGAAAGGACAGGGCAGAAGAACCCAGAAATGCTTTGGCTGTG[G>A]GGAGAGCTGCCGCAGGCTGCTAAGGTGAGAGTCTCTTCAATTCTGCCACGGACCGAAGAT-3'

ClinVar aggregate classification (germline): Pathogenic. Review status: criteria provided, multiple submitters, no conflicts (2 of 4 stars). 2 submissions from 2 submitters: Pathogenic (2). Last evaluated 2026-01-18.

Conditions:
LPIN1-related disorder. Also called: LPIN1-related condition.

Allele frequency attached by ClinVar (database versions not stated): gnomAD exomes 0.00003.
gnomAD v4.1: 15 of 1,614,116 alleles (0.00093%); highest among the groups gnomAD compares: Non-Finnish European, 0.0013%; no homozygotes.

Submissions (2):

Labcorp Genetics (formerly Invitae), Labcorp
Classification: Pathogenic. Last evaluated: 2026-01-18. Review status: criteria provided, single submitter. Criteria: Invitae Variant Classification Sherloc (09022015). Collection method: clinical testing. Allele origin: germline.
Comment: This sequence change creates a premature translational stop signal (p.Trp275*) in the LPIN1 gene. It is expected to result in an absent or disrupted protein product. Loss-of-function variants in LPIN1 are known to be pathogenic (PMID: 18817903, 20583302, 22481384, 26111941). This variant is present in population databases (no rsID available, gnomAD 0.003%). This premature translational stop signal has been observed in individual(s) with myoglobinuria (PMID: 35242575). ClinVar contains an entry for this variant (Variation ID: 2166399). For these reasons, this variant has been classified as Pathogenic.

Blueprint Genetics
Classification: Pathogenic for LPIN1-related disorders. Last evaluated: 2024-08-02. Review status: criteria provided, single submitter. Criteria: ACMG Guidelines, 2015. Collection method: clinical testing. Allele origin: germline. Affected: yes. Observed: 5 variant alleles.

Literature cited by the submitters: PubMed 18817903 (cited by Labcorp Genetics (formerly Invitae), Labcorp); PubMed 20583302 (cited by Labcorp Genetics (formerly Invitae), Labcorp); PubMed 22481384 (cited by Labcorp Genetics (formerly Invitae), Labcorp); PubMed 26111941 (cited by Labcorp Genetics (formerly Invitae), Labcorp); PubMed 35242575 (cited by Labcorp Genetics (formerly Invitae), Labcorp).